The following is an entry in ClinVar:

ClinVar aggregate classification (germline): Uncertain significance (1 of 4 stars; one submission).

Allele frequency attached by ClinVar (database versions not stated): TOPMed 0.00003; gnomAD 0.00002.
gnomAD v4.1: 10 of 1,613,828 alleles (0.00062%); highest among the groups gnomAD compares: African/African-American, 0.0053%; no homozygotes.

Submission:

Labcorp Genetics (formerly Invitae), Labcorp
Classification: Uncertain significance. Last evaluated: 2025-09-10. Review status: criteria provided, single submitter. Criteria: Invitae Variant Classification Sherloc (09022015). Collection method: clinical testing. Allele origin: germline.
Comment: This sequence change replaces serine, which is neutral and polar, with threonine, which is neutral and polar, at codon 1540 of the PCDH15 protein (p.Ser1540Thr). This variant is present in population databases (rs751482285, gnomAD 0.02%). This variant has not been reported in the literature in individuals affected with PCDH15-related conditions. ClinVar contains an entry for this variant (Variation ID: 2183474). Invitae Evidence Modeling of protein sequence and biophysical properties (such as structural, functional, and spatial information, amino acid conservation, physicochemical variation, residue mobility, and thermodynamic stability) indicates that this missense variant is not expected to disrupt PCDH15 protein function with a negative predictive value of 95%. In summary, the available evidence is currently insufficient to determine the role of this variant in disease. Therefore, it has been classified as a Variant of Uncertain Significance.

NM_033056.4(PCDH15):c.4618T>A (p.Ser1540Thr)

Gene: PCDH15 (protocadherin related 15; minus strand). Cytogenetic location: 10q21.1.
Variant type: single nucleotide variant.
Coding change: c.4618T>A on transcript NM_033056.4 (MANE Plus Clinical); coding-DNA position 4618, T replaced by A.
Protein change: p.Ser1540Thr; replaces serine 1540 with threonine.
Molecular consequence: missense variant. On other transcripts: intron variant (8).
Genome position (GRCh38, 1-based): chr10:53,823,108, A>T on the plus strand (T>A on the coding strand, the complement: PCDH15 is on the minus strand). VCF-style: chr10-53823108-A-T. GRCh37 (hg19) VCF-style: chr10-55582868-A-T.
Other names: c.4639T>A, p.Ser1547Thr (NM_001142763.2); c.4624T>A, p.Ser1542Thr (NM_001142764.2); c.4411T>A, p.Ser1471Thr (NM_001142765.2); c.4609T>A, p.Ser1537Thr (NM_001142766.2); c.4498T>A, p.Ser1500Thr (NM_001142767.2); c.4558T>A, p.Ser1520Thr (NM_001142768.2); c.4549T>A, p.Ser1517Thr (NM_001142773.2); c.4552T>A, p.Ser1518Thr (NM_001354404.2); and 6 more; short protein forms S1542T, S1537T, S1500T, S1517T, S1547T, S1471T, S1518T, S1520T.
Identifiers: ClinVar variation 2183474 (VCV002183474.2), dbSNP rs751482285, ClinGen allele CA5505232.